The following is an entry in ClinVar:

NM_002296.4(LBR):c.1747C>T (p.Arg583Ter)

Gene: LBR (lamin B receptor; minus strand). Cytogenetic location: 1q42.12.
Variant type: single nucleotide variant.
Coding change: c.1747C>T on transcript NM_002296.4 (MANE Select); coding-DNA position 1747, C replaced by T.
Protein change: p.Arg583Ter; replaces arginine 583 with a stop codon.
Molecular consequence: nonsense.
Genome position (GRCh38, 1-based): chr1:225,403,404, G>A on the plus strand (C>T on the coding strand, the complement: LBR is on the minus strand). VCF-style: chr1-225403404-G-A. GRCh37 (hg19) VCF-style: chr1-225591106-G-A.
Other names: c.1747C>T, p.Arg583Ter (NM_194442.3); short protein forms R583*.
Identifiers: ClinVar variation 369680 (VCV000369680.6), dbSNP rs1057516045, ClinGen allele CA10654753.

ClinVar aggregate classification (germline): Conflicting classifications of pathogenicity. Review status: criteria provided, conflicting classifications (1 of 4 stars). 3 submissions from 3 submitters: Likely pathogenic (2); Uncertain significance (1). Last evaluated 2019-08-04.

Conditions:
Pelger-Huët anomaly (PHA). Also called: Pelger-Huet Anomaly. Identifiers: MedGen C0030779, MONDO:0008214, OMIM 169400.
Short long bone. Also called: short long bones. Identifiers: MedGen C1854912, HP:0003026.
Rhizomelic leg shortening. Identifiers: MedGen C4023039, HP:0012106.
Retrognathia. Also called: retrognathism. Identifiers: MedGen C0035353, HP:0000278.
Femoral bowing. Identifiers: MedGen C1859461, HP:0002980.
Disproportionate short stature. Identifiers: MedGen C0878659, HP:0003498.
Rhizomelic arm shortening. Identifiers: MedGen C1969532, HP:0004991.

Allele frequency attached by ClinVar (database versions not stated): gnomAD exomes 0.00002.
gnomAD v4.1: 15 of 1,613,368 alleles (0.00093%); highest among the groups gnomAD compares: Non-Finnish European, 0.0011%; no homozygotes.

Submissions (3):

Johns Hopkins Genomics, Johns Hopkins University
Classification: Uncertain significance for Pelger-Huët anomaly. Last evaluated: 2019-08-04. Review status: criteria provided, single submitter. Criteria: ACMG Guidelines, 2015. Collection method: clinical testing. Allele origin: germline.
Comment: This LBR variant (rs1057516045) is rare (<0.1%) in a large population dataset (gnomAD: 4/251442 total alleles; 0.0016%; no homozygotes). Two submitters in ClinVar report this variant as likely pathogenic (Variation ID: 369680). This nonsense variant is predicted to lead to a premature stop codon in the last exon of the gene, likely escaping nonsense mediated decay and resulting in a truncated protein product. The function of the C terminal segment after the last transmembrane domain of the lamin B receptor is not known at this time. The clinical significance of c.1747C>T is uncertain at this time.

Centre for Mendelian Genomics, University Medical Centre Ljubljana
Classification: Likely pathogenic for Disproportionate short stature; Femoral bowing; Retrognathia; Rhizomelic arm shortening; Rhizomelic leg shortening; Short long bone. Last evaluated: 2017-01-01. Review status: criteria provided, single submitter. Criteria: ACMG Guidelines, 2015. Collection method: clinical testing. Allele origin: unknown. Affected: yes.

Victorian Clinical Genetics Services, Murdoch Childrens Research Institute
Classification: Likely pathogenic for Pelger-Huët anomaly. Last evaluated: 2015-07-24. Review status: criteria provided, single submitter. Criteria: ACMG Guidelines, 2015. Collection method: clinical testing. Allele origin: maternal. Inheritance: Autosomal dominant inheritance. Affected: yes. Observed: 2 variant alleles.
Comment: This nucleotide substitution results in the introduction of a premature stop codon at position 583, NP_919424.1(LBR): p.(Arg583*). This is a novel variant, not present in diseae or population databases. It is the most distal truncating variant in LBR reported to date. It segregated with phenotype in 2 members of this family.

Literature cited by the submitters: PubMed 26938784 (cited by Victorian Clinical Genetics Services, Murdoch Childrens Research Institute).